The following is an entry in ClinVar:

NM_021095.4(SLC5A6):c.1626C>T (p.Gly542=)

Gene: SLC5A6 (solute carrier family 5 member 6; minus strand). Cytogenetic location: 2p23.3.
Variant type: single nucleotide variant.
Coding change: c.1626C>T on transcript NM_021095.4 (MANE Select); coding-DNA position 1626, C replaced by T.
Protein change: p.Gly542=; no amino-acid change (glycine 542 retained).
Molecular consequence: synonymous variant. On other transcripts: non-coding transcript variant (1).
Genome position (GRCh38, 1-based): chr2:27,201,372, G>A on the plus strand (C>T on the coding strand, the complement: SLC5A6 is on the minus strand). VCF-style: chr2-27201372-G-A. GRCh37 (hg19) VCF-style: chr2-27424240-G-A.
Identifiers: ClinVar variation 3359381 (VCV003359381.1).

ClinVar aggregate classification (germline): Uncertain significance (1 of 4 stars; one submission).

Submission:

GeneDx
Classification: Uncertain significance. Last evaluated: 2023-05-27. Review status: criteria provided, single submitter. Criteria: GeneDx Variant Classification Process June 2021. Collection method: clinical testing. Allele origin: germline. Affected: yes.
Comment: Not observed at significant frequency in large population cohorts (gnomAD); In silico analysis supports a deleterious effect on splicing; Has not been previously published as pathogenic or benign to our knowledge